The following is an entry in ClinVar:

ClinVar aggregate classification (germline): Uncertain significance. Review status: reviewed by expert panel (3 of 4 stars). 3 submissions from 3 submitters: Uncertain significance (1). 2 of the submissions do not count toward it. Last evaluated 2024-06-25.

Conditions:
Creatine transporter deficiency (CCDS1). Also called: Creatine Transporter (CRTR) Deficiency; Mental retardation , X-linked with seizures, short stature and midface hypoplasia; Mental retardation , X-linked, with creatine transport deficiency; X-linked creatine transporter deficiency; X-linked creatine deficiency syndrome; SLC6A8-Related Creatine Transporter Deficiency. Identifiers: Orphanet 52503, MedGen C1845862, MONDO:0010305, OMIM 300352.

Submissions (3):

ClinGen Cerebral Creatine Deficiency Syndromes Variant Curation Expert Panel, ClinGen
Classification: Uncertain significance for Creatine transporter deficiency. Last evaluated: 2024-06-25. Review status: reviewed by expert panel. Criteria: ClinGen_CCDS_ACMG_Specifications_SLC6A8_v1.1. Collection method: curation. Allele origin: germline. Inheritance: X-linked inheritance.
Comment: The NM_005629.4:c.467_469del variant in SLC6A8 is a deletion of 3 nucleotides within exon 3/13 of the SLC6A8 gene and is predicted to lead to an in-frame deletion of 1 amino acid (p.Phe156del) (PM4). This variant has been previously reported (PMID: 22281021); however, no data, including zygosity and/or phenotypic features, regarding the individual/s with this variant is provided. The variant is absent in gnomAD v2.1.1. (PM2_Supporting). The in silico predictors MutPredIndel and MutationTaster predict that the variant impacts SLC6A8 function (PP3) There is a ClinVar entry for this variant (Variation ID: 941841, 1 star review status), with one submitter classifying it as a variant of uncertain significance and one submitter classifying it as likely pathogenic. In summary, this variant meets criteria to be classified as a variant of uncertain significance for creatine transporter deficiency. SLC6A8-specific criteria applied, as specified by the ClinGen CCDS VCEP (Specifications Version 1.1.0): PM4, PP3, PM2_Supporting. (Classification approved by the ClinGen CCDS VCEP on June 25, 2024)

GeneDx
Classification: Likely pathogenic. Last evaluated: 2022-11-17. Review status: criteria provided, single submitter. Criteria: GeneDx Variant Classification Process June 2021. Collection method: clinical testing. Allele origin: germline. Affected: yes. Not counted in ClinVar's aggregate classification.
Comment: Reported in a cohort of individuals with creatine transporter deficiency, however zygosity and additional clinical information were not included (Betsalel et al., 2012); Not observed at significant frequency in large population cohorts (gnomAD); In-frame deletion of 1 amino acid in a non-repeat region; In silico analysis supports a deleterious effect on protein structure/function; This variant is associated with the following publications: (PMID: 22281021)

Labcorp Genetics (formerly Invitae), Labcorp
Classification: Uncertain significance for Creatine transporter deficiency. Last evaluated: 2022-07-11. Review status: criteria provided, single submitter. Criteria: Invitae Variant Classification Sherloc (09022015). Collection method: clinical testing. Allele origin: germline. Not counted in ClinVar's aggregate classification.
Comment: Experimental studies and prediction algorithms are not available or were not evaluated, and the functional significance of this variant is currently unknown. In summary, the available evidence is currently insufficient to determine the role of this variant in disease. Therefore, it has been classified as a Variant of Uncertain Significance. ClinVar contains an entry for this variant (Variation ID: 941841). This variant has been observed in individual(s) with clinical features of SLLC6A8-related conditions (PMID: 22281021). This variant is not present in population databases (gnomAD no frequency). This variant, c.467_469del, results in the deletion of 1 amino acid(s) of the SLC6A8 protein (p.Phe156del), but otherwise preserves the integrity of the reading frame.

Literature cited by the submitters: PubMed 22281021 (cited by Labcorp Genetics (formerly Invitae), Labcorp).

NM_005629.4(SLC6A8):c.467_469del (p.Phe156del)

Gene: SLC6A8 (solute carrier family 6 member 8; plus strand). Cytogenetic location: Xq28.
Variant type: Deletion.
Coding change: c.467_469del on transcript NM_005629.4 (MANE Select); coding-DNA positions 467 to 469, 3 bases deleted (TCT; older notation c.467_469delTCT).
Protein change: p.Phe156del; deletes phenylalanine 156.
Molecular consequence: inframe deletion.
Genome position (GRCh38, 1-based): chrX:153,691,376-153,691,378, TCT deleted; deleting any 3 consecutive bases within chrX:153,691,374-153,691,378 gives the same sequence; the c. name uses the placement nearest the transcript's 3' end. VCF-style (leftmost placement, unchanged base first): chrX-153691373-GCTT-G. GRCh37 (hg19) VCF-style: chrX-152956828-GCTT-G.
Other names: NM_005629.4(SLC6A8):c.467_469del; p.Phe156del; c.467_469del, p.Phe156del (NM_001142805.2); c.122_124del, p.Phe41del (NM_001142806.1); short protein forms F156del, F41del.
Identifiers: ClinVar variation 941841 (VCV000941841.11), dbSNP rs2091455264, ClinGen allele CA1139667841.
Genomic context (GRCh38, chrX:153,691,373, plus strand): 5'-ACGCCTCCATGGTGATCGTCTTCTACTGCAACACCTACTACATCATGGTGCTGGCCTGGG[GCTT>G]CTATTACCTGGTCAAGTCCTTTACCACCACGCTGCCCTGGGCCACATGTGGCCACACCTG-3'